The following is an entry in ClinVar:

ClinVar aggregate classification (germline): Uncertain significance. Review status: criteria provided, multiple submitters, no conflicts (2 of 4 stars). 2 submissions from 2 submitters: Uncertain significance (2). Last evaluated 2025-08-04.

Conditions:
Inborn genetic diseases. Identifiers: MedGen C0950123, MeSH D030342.

Allele frequency attached by ClinVar (database versions not stated): gnomAD exomes 0.00001; ExAC 0.00002; gnomAD 0.00014; TOPMed 0.00030; 1000 Genomes Project 0.00040; 1000 Genomes Project 30x 0.00062.
gnomAD v4.1: 48 of 1,613,814 alleles (0.003%); highest among the groups gnomAD compares: Admixed American, 0.052%; 2 homozygotes.

Submissions (2):

Ambry Genetics
Classification: Uncertain significance for Inborn genetic diseases. Last evaluated: 2025-08-04. Review status: criteria provided, single submitter. Criteria: Ambry Variant Classification Scheme 2023. Collection method: clinical testing. Allele origin: germline.

Labcorp Genetics (formerly Invitae), Labcorp
Classification: Uncertain significance. Last evaluated: 2023-08-30. Review status: criteria provided, single submitter. Criteria: Invitae Variant Classification Sherloc (09022015). Collection method: clinical testing. Allele origin: germline.
Comment: This variant is present in population databases (rs182725706, gnomAD 0.006%). In summary, the available evidence is currently insufficient to determine the role of this variant in disease. Therefore, it has been classified as a Variant of Uncertain Significance. Advanced modeling of protein sequence and biophysical properties (such as structural, functional, and spatial information, amino acid conservation, physicochemical variation, residue mobility, and thermodynamic stability) has been performed at Invitae for this missense variant, however the output from this modeling did not meet the statistical confidence thresholds required to predict the impact of this variant on ORC1 protein function. ClinVar contains an entry for this variant (Variation ID: 1363454). This variant has not been reported in the literature in individuals affected with ORC1-related conditions. This sequence change replaces alanine, which is neutral and non-polar, with threonine, which is neutral and polar, at codon 645 of the ORC1 protein (p.Ala645Thr).

NM_004153.4(ORC1):c.1933G>A (p.Ala645Thr)

Gene: ORC1 (origin recognition complex subunit 1; minus strand). Cytogenetic location: 1p32.3.
Variant type: single nucleotide variant.
Coding change: c.1933G>A on transcript NM_004153.4 (MANE Select); coding-DNA position 1933, G replaced by A.
Protein change: p.Ala645Thr; replaces alanine 645 with threonine.
Molecular consequence: missense variant.
Genome position (GRCh38, 1-based): chr1:52,383,500, C>T on the plus strand (G>A on the coding strand, the complement: ORC1 is on the minus strand). VCF-style: chr1-52383500-C-T. GRCh37 (hg19) VCF-style: chr1-52849172-C-T.
Other names: c.1933G>A, p.Ala645Thr (NM_001190818.2); c.1918G>A, p.Ala640Thr (NM_001190819.2); c.1933G>A (NM_004153.3); short protein forms A640T, A645T.
Identifiers: ClinVar variation 1363454 (VCV001363454.5), dbSNP rs182725706, ClinGen allele CA853170.
Genomic context (GRCh38, chr1:52,383,500, plus strand): 5'-TCATCATGATTCGCTCTGGCAGGTCCATTGTGTTGGCAATTGCCAGGACCACAAGCCGGG[C>T]CTCCTTATGAGTGGGCCAGTCAAAGAGATTGTACATTATGTCTTGTTTGTGAGTCCACAG-3'
Protein context (NP_004144.2, residues 635-655): NLFDWPTHKE[Ala645Thr]RLVVLAIANT